The following is an entry in ClinVar:

NM_005612.5(REST):c.4G>A (p.Ala2Thr)

Gene: REST (RE1 silencing transcription factor; plus strand). Cytogenetic location: 4q12.
Variant type: single nucleotide variant.
Coding change: c.4G>A on transcript NM_005612.5 (MANE Select); coding-DNA position 4, G replaced by A.
Protein change: p.Ala2Thr; replaces alanine 2 with threonine.
Molecular consequence: missense variant.
Genome position (GRCh38, 1-based): chr4:56,910,642, G>A. VCF-style: chr4-56910642-G-A. GRCh37 (hg19) VCF-style: chr4-57776808-G-A.
Other names: c.4G>A, p.Ala2Thr (NM_001193508.2, NM_001363453.3); short protein forms A2T.
Identifiers: ClinVar variation 1470279 (VCV001470279.8), dbSNP rs2109522392, ClinGen allele CA357002309.

ClinVar aggregate classification (germline): Uncertain significance (1 of 4 stars; one submission).

Submission:

Labcorp Genetics (formerly Invitae), Labcorp
Classification: Uncertain significance. Last evaluated: 2020-11-25. Review status: criteria provided, single submitter. Criteria: Invitae Variant Classification Sherloc (09022015). Collection method: clinical testing. Allele origin: germline.
Comment: This variant has not been reported in the literature in individuals with REST-related conditions. This sequence change replaces alanine with threonine at codon 2 of the REST protein (p.Ala2Thr). The alanine residue is highly conserved and there is a small physicochemical difference between alanine and threonine. This variant is not present in population databases (ExAC no frequency). Algorithms developed to predict the effect of missense changes on protein structure and function are either unavailable or do not agree on the potential impact of this missense change (SIFT: "Deleterious"; PolyPhen-2: "Probably Damaging"; Align-GVGD: "Class C0"). In summary, the available evidence is currently insufficient to determine the role of this variant in disease. Therefore, it has been classified as a Variant of Uncertain Significance.